The following is an entry in ClinVar:

ClinVar aggregate classification (germline): Conflicting classifications of pathogenicity. Review status: criteria provided, conflicting classifications (1 of 4 stars). 2 submissions from 2 submitters: Uncertain significance (1); Likely benign (1). Last evaluated 2024-08-13.

Conditions:
Androgen resistance syndrome (AIS). Also called: ANDROGEN RECEPTOR DEFICIENCY; DIHYDROTESTOSTERONE RECEPTOR DEFICIENCY; Androgen insensitivity syndrome; TESTICULAR FEMINIZATION SYNDROME; Androgen insensitivity; Androgen insensitivity syndrome due to coactivator deficiency. Identifiers: Orphanet 754, Orphanet 99429, MedGen C0039585, MONDO:0019154, OMIM 300068. Disease mechanism: loss of function.
Kennedy disease (SMAX1). Also called: SPINAL AND BULBAR MUSCULAR ATROPHY, X-LINKED 1; Spinal and Bulbar Muscular Atrophy; KENNEDY SPINAL AND BULBAR MUSCULAR ATROPHY. Identifiers: Orphanet 481, MedGen C1839259, MONDO:0010735, OMIM 313200.

Submissions (2):

Labcorp Genetics (formerly Invitae), Labcorp
Classification: Likely benign for Kennedy disease; Androgen resistance syndrome. Last evaluated: 2024-08-13. Review status: criteria provided, single submitter. Criteria: Invitae Variant Classification Sherloc (09022015). Collection method: clinical testing. Allele origin: germline.

GeneDx
Classification: Uncertain significance. Last evaluated: 2024-03-18. Review status: criteria provided, single submitter. Criteria: GeneDx Variant Classification Process June 2021. Collection method: clinical testing. Allele origin: germline. Affected: yes.
Comment: Not observed at significant frequency in large population cohorts (gnomAD); In-frame insertion of 3 amino acids in a repetitive region with no known function; Has not been previously published as pathogenic or benign to our knowledge

NM_000044.6(AR):c.172_173insTGCAGCAGC (p.Leu57_Gln58insLeuGlnGln)

Genes: AR (androgen receptor; plus strand), LOC109504725 (androgen receptor repeat instability region; plus strand). Cytogenetic location: Xq12.
Variant type: Insertion.
Coding change: c.172_173insTGCAGCAGC on transcript NM_000044.6 (MANE Select); coding-DNA positions 172 to 173, TGCAGCAGC inserted.
Protein change: p.Leu57_Gln58insLeuGlnGln.
Molecular consequence: inframe insertion. On other transcripts: 5 prime UTR variant (1).
Genome position: GRCh38 VCF-style: chrX-67545316-T-TGCTGCAGCA. GRCh37 (hg19) VCF-style: chrX-66765158-T-TGCTGCAGCA.
Other names: c.172_173insTGCAGCAGC, p.Leu57_Gln58insLeuGlnGln (NM_001348061.1, NM_001348063.1, NM_001348064.1); c.-1612_-1611insTGCAGCAGC (NM_001011645.3); c.172_173insTGCAGCAGC (NM_000044.2).
Identifiers: ClinVar variation 464788 (VCV000464788.8), dbSNP rs1206863775, ClinGen allele CA658658999.